The following is an entry in ClinVar:

NM_013275.6(ANKRD11):c.7494G>A (p.Ala2498=)

Gene: ANKRD11 (ankyrin repeat domain 11; minus strand). Cytogenetic location: 16q24.3.
Variant type: single nucleotide variant.
Coding change: c.7494G>A on transcript NM_013275.6 (MANE Select); coding-DNA position 7494, G replaced by A.
Protein change: p.Ala2498=; no amino-acid change (alanine 2498 retained).
Molecular consequence: synonymous variant.
Genome position (GRCh38, 1-based): chr16:89,275,168, C>T on the plus strand (G>A on the coding strand, the complement: ANKRD11 is on the minus strand). VCF-style: chr16-89275168-C-T. GRCh37 (hg19) VCF-style: chr16-89341576-C-T.
Other names: c.7494G>A, p.Ala2498= (NM_001256182.2, NM_001256183.2).
Identifiers: ClinVar variation 957390 (VCV000957390.12), dbSNP rs200826191, ClinGen allele CA8241124.
Genomic context (GRCh38, chr16:89,275,168, plus strand): 5'-CTGTAGACGCAGCTTTCCCCGGACGGCCTCCTGCTGCCTGAACAGCTCCTTCAGGGGCTC[C>T]GCCAGGGAGGGAGGGGGTGCGATCTACAGGCAAAAGGTGAGTGTGGGGGGTCAGCTGGGG-3'
Protein context (NP_037407.4, residues 2488-2508): IPVIAPPPSL[Ala2498=]EPLKELFRQQ

ClinVar aggregate classification (germline): Likely benign. Review status: criteria provided, multiple submitters, no conflicts (2 of 4 stars). 3 submissions from 3 submitters: Likely benign (3). Last evaluated 2026-01-01.

Conditions:
Inborn genetic diseases. Identifiers: MedGen C0950123, MeSH D030342.
KBG syndrome (KBGS). Also called: ANKRD11-Related KBG Syndrome. Identifiers: Orphanet 2332, MedGen C0220687, MONDO:0007846, OMIM 148050.

Allele frequency attached by ClinVar (database versions not stated): ExAC 0.00001; gnomAD 0.00001; TOPMed 0.00001; gnomAD exomes 0.00002; 1000 Genomes Project 30x 0.00016; 1000 Genomes Project 0.00020.
gnomAD v4.1: 29 of 1,609,976 alleles (0.0018%); highest among the groups gnomAD compares: Admixed American, 0.0067%; no homozygotes.

Submissions (3):

CeGaT Center for Human Genetics Tuebingen
Classification: Likely benign. Last evaluated: 2026-01-01. Review status: criteria provided, single submitter. Criteria: CeGaT Center For Human Genetics Tuebingen Variant Classification Criteria Version 2. Collection method: clinical testing. Allele origin: germline. Affected: yes. Observed: 1 variant allele.
Comment: ANKRD11: BP4, BP7

Labcorp Genetics (formerly Invitae), Labcorp
Classification: Likely benign for KBG syndrome. Last evaluated: 2022-12-07. Review status: criteria provided, single submitter. Criteria: Invitae Variant Classification Sherloc (09022015). Collection method: clinical testing. Allele origin: germline.

Ambry Genetics
Classification: Likely benign for Inborn genetic diseases. Last evaluated: 2019-10-23. Review status: criteria provided, single submitter. Criteria: Ambry Variant Classification Scheme 2023. Collection method: clinical testing. Allele origin: germline.